The following is an entry in ClinVar:

ClinVar aggregate classification (germline): Uncertain significance. Review status: criteria provided, multiple submitters, no conflicts (2 of 4 stars). 2 submissions from 2 submitters: Uncertain significance (2). Last evaluated 2023-09-03.

Conditions:
Inborn genetic diseases. Identifiers: MedGen C0950123, MeSH D030342.

Allele frequency attached by ClinVar (database versions not stated): gnomAD exomes below 0.00001; gnomAD 0.00001; TOPMed 0.00001.
gnomAD v4.1: 6 of 1,608,104 alleles (0.00037%); highest among the groups gnomAD compares: East Asian, 0.0023%; no homozygotes.

Submissions (2):

Labcorp Genetics (formerly Invitae), Labcorp
Classification: Uncertain significance. Last evaluated: 2023-09-03. Review status: criteria provided, single submitter. Criteria: Invitae Variant Classification Sherloc (09022015). Collection method: clinical testing. Allele origin: germline.
Comment: This sequence change replaces serine, which is neutral and polar, with alanine, which is neutral and non-polar, at codon 405 of the NACC1 protein (p.Ser405Ala). This variant is present in population databases (no rsID available, gnomAD 0.0009%). This variant has not been reported in the literature in individuals affected with NACC1-related conditions. ClinVar contains an entry for this variant (Variation ID: 1521056). Advanced modeling of protein sequence and biophysical properties (such as structural, functional, and spatial information, amino acid conservation, physicochemical variation, residue mobility, and thermodynamic stability) performed at Invitae indicates that this missense variant is not expected to disrupt NACC1 protein function. In summary, the available evidence is currently insufficient to determine the role of this variant in disease. Therefore, it has been classified as a Variant of Uncertain Significance.

Ambry Genetics
Classification: Uncertain significance for Inborn genetic diseases. Last evaluated: 2021-06-06. Review status: criteria provided, single submitter. Criteria: Ambry Variant Classification Scheme 2023. Collection method: clinical testing. Allele origin: germline.

NM_052876.4(NACC1):c.1213T>G (p.Ser405Ala)

Gene: NACC1 (nucleus accumbens associated 1; plus strand). Cytogenetic location: 19p13.13.
Variant type: single nucleotide variant.
Coding change: c.1213T>G on transcript NM_052876.4 (MANE Select); coding-DNA position 1213, T replaced by G.
Protein change: p.Ser405Ala; replaces serine 405 with alanine.
Molecular consequence: missense variant.
Genome position (GRCh38, 1-based): chr19:13,137,363, T>G. VCF-style: chr19-13137363-T-G. GRCh37 (hg19) VCF-style: chr19-13248177-T-G.
Other names: c.1213T>G (NM_052876.2); short protein forms S405A.
Identifiers: ClinVar variation 1521056 (VCV001521056.7), dbSNP rs1439635696, ClinGen allele CA404329335.